The following is an entry in ClinVar:

NM_000276.4(OCRL):c.1024G>T (p.Glu342Ter)

Gene: OCRL (OCRL inositol polyphosphate-5-phosphatase; plus strand). Cytogenetic location: Xq26.1.
Variant type: single nucleotide variant.
Coding change: c.1024G>T on transcript NM_000276.4 (MANE Select); coding-DNA position 1024, G replaced by T.
Protein change: p.Glu342Ter; replaces glutamic acid 342 with a stop codon.
Molecular consequence: nonsense.
Genome position (GRCh38, 1-based): chrX:129,562,468, G>T. VCF-style: chrX-129562468-G-T. GRCh37 (hg19) VCF-style: chrX-128696445-G-T.
Other names: c.1027G>T, p.Glu343Ter (NM_001318784.2); c.1024G>T, p.Glu342Ter (NM_001587.4); short protein forms E343*, E342*.
Identifiers: ClinVar variation 2814761 (VCV002814761.3), dbSNP rs1427698686, ClinGen allele CA414552633.

ClinVar aggregate classification (germline): Pathogenic (1 of 4 stars; one submission).

Conditions:
Lowe syndrome (OCRL). Also called: LOWE OCULOCEREBRORENAL SYNDROME; PHOSPHATIDYLINOSITOL 4,5-BISPHOSPHATE 5-PHOSPHATASE DEFICIENCY; Oculocerebrorenal Syndrome. Identifiers: Orphanet 534, MedGen C0028860, MONDO:0010645, OMIM 309000.

Submission:

Labcorp Genetics (formerly Invitae), Labcorp
Classification: Pathogenic for Lowe syndrome. Last evaluated: 2023-01-08. Review status: criteria provided, single submitter. Criteria: Invitae Variant Classification Sherloc (09022015). Collection method: clinical testing. Allele origin: germline.
Comment: For these reasons, this variant has been classified as Pathogenic. This variant has not been reported in the literature in individuals affected with OCRL-related conditions. This variant is not present in population databases (gnomAD no frequency). This sequence change creates a premature translational stop signal (p.Glu342*) in the OCRL gene. It is expected to result in an absent or disrupted protein product. Loss-of-function variants in OCRL are known to be pathogenic (PMID: 19390221, 21031565, 22381590).

Literature cited by the submitters: PubMed 19390221; PubMed 21031565; PubMed 22381590.